The following is an entry in ClinVar:

NM_001927.4(DES):c.976C>A (p.His326Asn)

Gene: DES (desmin; plus strand). Cytogenetic location: 2q35.
Variant type: single nucleotide variant.
Coding change: c.976C>A on transcript NM_001927.4 (MANE Select); coding-DNA position 976, C replaced by A.
Protein change: p.His326Asn; replaces histidine 326 with asparagine.
Molecular consequence: missense variant. On other transcripts: intron variant (1).
Genome position (GRCh38, 1-based): chr2:219,420,906, C>A. VCF-style: chr2-219420906-C-A. GRCh37 (hg19) VCF-style: chr2-220285628-C-A.
Other names: c.973C>A, p.His325Asn (NM_001382708.1); c.976C>A, p.His326Asn (NM_001382710.1, NM_001382711.1, NM_001382712.1); c.706C>A, p.His236Asn (NM_001382713.1); c.735+560C>A (NM_001382709.1); short protein forms H236N, H325N, H326N.
Identifiers: ClinVar variation 4882025 (VCV004882025.2).
Genomic context (GRCh38, chr2:219,420,906, plus strand): 5'-GCAGCCAACAAGAACAACGACGCCCTGCGCCAGGCCAAGCAGGAGATGATGGAATACCGA[C>A]ACCAGATCCAGTCCTACACCTGCGAGATTGACGCCCTGAAGGGCACTGTGAGTCCCTGCC-3'
Protein context (NP_001918.3, residues 316-336): QAKQEMMEYR[His326Asn]QIQSYTCEID

ClinVar aggregate classification (germline): Uncertain significance (1 of 4 stars; one submission).

Submission:

Dasa
Classification: Uncertain significance. Last evaluated: 2026-03-27. Review status: criteria provided, single submitter. Criteria: DASA Assertion Criteria. Collection method: clinical testing. Allele origin: germline.
Comment: NM_001927.4(DES):c.976C>A (p.His326Asn) is a missense variant that results in the substitution of histidine with asparagine. The affected residue or protein region has prior evidence supporting clinical relevance. This variant is absent from population databases. Computational prediction algorithms are consistent with a deleterious effect. The currently available literature and clinical evidence are not sufficient to establish a definitive association between this variant and the reported condition. Therefore, this variant is classified as a variant of uncertain significance.